The following is an entry in ClinVar:

NM_002519.3(NPAT):c.1324A>G (p.Ile442Val)

Gene: NPAT (nuclear protein, coactivator of histone transcription; minus strand). Cytogenetic location: 11q22.3.
Variant type: single nucleotide variant.
Coding change: c.1324A>G on transcript NM_002519.3 (MANE Select); coding-DNA position 1324, A replaced by G.
Protein change: p.Ile442Val; replaces isoleucine 442 with valine.
Molecular consequence: missense variant.
Genome position (GRCh38, 1-based): chr11:108,173,660, T>C on the plus strand (A>G on the coding strand, the complement: NPAT is on the minus strand). VCF-style: chr11-108173660-T-C. GRCh37 (hg19) VCF-style: chr11-108044387-T-C.
Other names: c.1324A>G, p.Ile442Val (NM_001321307.1); short protein forms I442V.
Identifiers: ClinVar variation 1769966 (VCV001769966.5), dbSNP rs779326365, ClinGen allele CA6264020.

ClinVar aggregate classification (germline): Uncertain significance. Review status: criteria provided, multiple submitters, no conflicts (2 of 4 stars). 2 submissions from 2 submitters: Uncertain significance (2). Last evaluated 2024-05-06.

Allele frequency attached by ClinVar (database versions not stated): gnomAD exomes below 0.00001; TOPMed below 0.00001; ExAC 0.00001; gnomAD 0.00001.
gnomAD v4.1: 7 of 1,614,072 alleles (0.00043%); highest among the groups gnomAD compares: African/African-American, 0.0027%; no homozygotes.

Submissions (2):

Ambry Genetics
Classification: Uncertain significance. Last evaluated: 2024-05-06. Review status: criteria provided, single submitter. Criteria: Ambry Variant Classification Scheme 2023. Collection method: clinical testing. Allele origin: germline.

Labcorp Genetics (formerly Invitae), Labcorp
Classification: Uncertain significance. Last evaluated: 2023-11-14. Review status: criteria provided, single submitter. Criteria: Invitae Variant Classification Sherloc (09022015). Collection method: clinical testing. Allele origin: germline.
Comment: This sequence change replaces isoleucine, which is neutral and non-polar, with valine, which is neutral and non-polar, at codon 442 of the NPAT protein (p.Ile442Val). This variant is present in population databases (rs779326365, gnomAD 0.003%). This variant has not been reported in the literature in individuals affected with NPAT-related conditions. ClinVar contains an entry for this variant (Variation ID: 1769966). An algorithm developed to predict the effect of missense changes on protein structure and function (PolyPhen-2) suggests that this variant is likely to be disruptive. In summary, the available evidence is currently insufficient to determine the role of this variant in disease. Therefore, it has been classified as a Variant of Uncertain Significance.